The following is an entry in ClinVar:

NM_020719.3(PRR12):c.1626G>A (p.Ser542=)

Gene: PRR12 (proline rich 12; plus strand). Cytogenetic location: 19q13.33.
Variant type: single nucleotide variant.
Coding change: c.1626G>A on transcript NM_020719.3 (MANE Select); coding-DNA position 1626, G replaced by A.
Protein change: p.Ser542=; no amino-acid change (serine 542 retained).
Molecular consequence: synonymous variant.
Genome position (GRCh38, 1-based): chr19:49,595,961, G>A. VCF-style: chr19-49595961-G-A. GRCh37 (hg19) VCF-style: chr19-50099218-G-A.
Other names: NC_000019.9:g.50099218G>A.
Identifiers: ClinVar variation 773776 (VCV000773776.30), dbSNP rs143035740, ClinGen allele CA9577911.

ClinVar aggregate classification (germline): Benign. Review status: criteria provided, multiple submitters, no conflicts (2 of 4 stars). 3 submissions from 3 submitters: Benign (3). Last evaluated 2026-07-01.

Allele frequency attached by ClinVar (database versions not stated): 1000 Genomes Project 30x 0.00344; 1000 Genomes Project 0.00379; gnomAD exomes 0.00751 and 0.01174; TOPMed 0.00761; ExAC 0.00781; gnomAD 0.00781 and 0.00795; ESP Exome Variant Server 0.00943.
gnomAD v4.1: 18,213 of 1,600,544 alleles (1.1%); highest among the groups gnomAD compares: Non-Finnish European, 1.4%; 133 homozygotes.

Submissions (14):

CeGaT Center for Human Genetics Tuebingen
Classification: Benign. Last evaluated: 2026-07-01. Review status: criteria provided, single submitter. Criteria: CeGaT Center For Human Genetics Tuebingen Variant Classification Criteria Version 2. Collection method: clinical testing. Allele origin: germline. Affected: yes. Observed: 18 variant alleles.
Comment: PRR12: BP4, BP7, BS1, BS2

Labcorp Genetics (formerly Invitae), Labcorp
Classification: Benign. Last evaluated: 2019-12-31. Review status: criteria provided, single submitter. Criteria: Invitae Variant Classification Sherloc (09022015). Collection method: clinical testing. Allele origin: germline.

Breakthrough Genomics
Classification: Benign. Review status: criteria provided, single submitter. Criteria: ACMG Guidelines, 2015. Collection method: not provided. Allele origin: germline. Inheritance: Autosomal dominant inheritance. Affected: yes.

Dr. Peter K. Rogan Lab, Western University
No classification provided (evidence only). Condition: Familial cancer of breast. Review status: no classification provided. Collection method: in vitro. Allele origin: not applicable. Functional consequence: retained intron. Not counted in ClinVar's aggregate classification.

Dr. Peter K. Rogan Lab, Western University
No classification provided (evidence only). Condition: Colon adenocarcinoma. Review status: no classification provided. Collection method: in vitro. Allele origin: not applicable. Functional consequence: retained intron. Not counted in ClinVar's aggregate classification.

Dr. Peter K. Rogan Lab, Western University
No classification provided (evidence only). Condition: Colorectal cancer. Review status: no classification provided. Collection method: in vitro. Allele origin: not applicable. Functional consequence: retained intron. Not counted in ClinVar's aggregate classification.

Dr. Peter K. Rogan Lab, Western University
No classification provided (evidence only). Condition: Thyroid cancer, nonmedullary, 1. Review status: no classification provided. Collection method: in vitro. Allele origin: not applicable. Functional consequence: retained intron. Not counted in ClinVar's aggregate classification.

Dr. Peter K. Rogan Lab, Western University
No classification provided (evidence only). Condition: Thyroid cancer, nonmedullary, 1. Review status: no classification provided. Collection method: in vitro. Allele origin: not applicable. Functional consequence: retained intron. Not counted in ClinVar's aggregate classification.

Dr. Peter K. Rogan Lab, Western University
No classification provided (evidence only). Condition: Thyroid cancer, nonmedullary, 1. Review status: no classification provided. Collection method: in vitro. Allele origin: not applicable. Functional consequence: retained intron. Not counted in ClinVar's aggregate classification.

Dr. Peter K. Rogan Lab, Western University
No classification provided (evidence only). Condition: Uterine corpus endometrial carcinoma. Review status: no classification provided. Collection method: in vitro. Allele origin: not applicable. Functional consequence: retained intron. Not counted in ClinVar's aggregate classification.

Dr. Peter K. Rogan Lab, Western University
No classification provided (evidence only). Condition: Cervical cancer. Review status: no classification provided. Collection method: in vitro. Allele origin: not applicable. Functional consequence: retained intron. Not counted in ClinVar's aggregate classification.

Dr. Peter K. Rogan Lab, Western University
No classification provided (evidence only). Condition: Cholangiocarcinoma. Review status: no classification provided. Collection method: in vitro. Allele origin: not applicable. Functional consequence: retained intron. Not counted in ClinVar's aggregate classification.

Dr. Peter K. Rogan Lab, Western University
No classification provided (evidence only). Condition: Ovarian serous cystadenocarcinoma. Review status: no classification provided. Collection method: in vitro. Allele origin: not applicable. Functional consequence: retained intron. Not counted in ClinVar's aggregate classification.

Dr. Peter K. Rogan Lab, Western University
No classification provided (evidence only). Condition: Uveal melanoma. Review status: no classification provided. Collection method: in vitro. Allele origin: not applicable. Functional consequence: retained intron. Not counted in ClinVar's aggregate classification.